The following is an entry in ClinVar:

NM_001008537.3(NEXMIF):c.2091_2113del (p.Asp698fs)

Gene: NEXMIF (neurite extension and migration factor; minus strand). Cytogenetic location: Xq13.3.
Variant type: Deletion.
Coding change: c.2091_2113del on transcript NM_001008537.3 (MANE Select); coding-DNA positions 2091 to 2113, 23 bases deleted (TGACTCAGTGAAAGTCAAAGCCC).
Protein change: p.Asp698fs; shifts the reading frame from aspartic acid 698.
Molecular consequence: frameshift variant.
Genome position (GRCh38, 1-based): chrX:74,742,444-74,742,466, GGGCTTTGACTTTCACTGAGTCA deleted on the plus strand (TGACTCAGTGAAAGTCAAAGCCC on the coding strand, the reverse complement: NEXMIF is on the minus strand); deleting any 23 consecutive bases within chrX:74,742,444-74,742,470 gives the same sequence; the c. name uses the placement nearest the transcript's 3' end. VCF-style (leftmost placement, unchanged base first): chrX-74742443-TGGGCTTTGACTTTCACTGAGTCA-T. GRCh37 (hg19) VCF-style: chrX-73962278-TGGGCTTTGACTTTCACTGAGTCA-T.
Other names: short protein forms D698fs.
Identifiers: ClinVar variation 918142 (VCV000918142.2), dbSNP rs2080109236, ClinGen allele CA1139667651.

ClinVar aggregate classification (germline): Likely pathogenic (1 of 4 stars; one submission).

Conditions:
X-linked intellectual disability, Cantagrel type (XLID98). Also called: INTELLECTUAL DEVELOPMENTAL DISORDER, X-LINKED 98. Identifiers: Orphanet 85277, MedGen C3806730, MONDO:0010483, OMIM 300912.

Submission:

Women's Health and Genetics/Laboratory Corporation of America, LabCorp
Classification: Likely pathogenic for Mental retardation, X-linked 98. Last evaluated: 2020-12-18. Review status: criteria provided, single submitter. Criteria: LabCorp Variant Classification Summary - May 2015. Collection method: clinical testing. Allele origin: germline.
Comment: Variant summary: NEXMIF c.2091_2113del23 (p.Asp698ArgfsX5) results in a premature termination codon, predicted to cause a truncation of the encoded protein or absence of the protein due to nonsense mediated decay, which are commonly known mechanisms for disease. The variant was absent in 204232 control chromosomes (gnomAD). To our knowledge, no occurrence of c.2091_2113del23 in individuals affected with Mental retardation, X-linked 98 and no experimental evidence demonstrating its impact on protein function have been reported. No clinical diagnostic laboratories have submitted clinical-significance assessments for this variant to ClinVar after 2014. Based on the evidence outlined above, the variant was classified as likely pathogenic.